The following is an entry in ClinVar:

ClinVar aggregate classification (germline): Uncertain significance. Review status: criteria provided, single submitter (1 of 4 stars). 2 submissions from 2 submitters: Uncertain significance (1). 1 of the submissions does not count toward it. Last evaluated 2025-04-07.

Conditions:
LEPR-related disorder. Also called: LEPR-related condition; LEPR-related disorders.
Inborn genetic diseases. Identifiers: MedGen C0950123, MeSH D030342.

gnomAD v4.1: 24 of 1,613,886 alleles (0.0015%); highest among the groups gnomAD compares: Non-Finnish European, 0.0019%; no homozygotes.

Submissions (2):

Ambry Genetics
Classification: Uncertain significance for Inborn genetic diseases. Last evaluated: 2025-04-07. Review status: criteria provided, single submitter. Criteria: Ambry Variant Classification Scheme 2023. Collection method: clinical testing. Allele origin: germline.

PreventionGenetics, part of Exact Sciences
Classification: Uncertain significance for LEPR-related condition. Last evaluated: 2023-10-19. Review status: no assertion criteria provided. Collection method: clinical testing. Allele origin: germline. Not counted in ClinVar's aggregate classification.
Comment: The LEPR c.2794G>C variant is predicted to result in the amino acid substitution p.Asp932His. To our knowledge, this variant has not been reported in the literature. This variant is reported in 0.00088% of alleles in individuals of European (Non-Finnish) descent in gnomAD. At this time, the clinical significance of this variant is uncertain due to the absence of conclusive functional and genetic evidence.

NM_002303.6(LEPR):c.2794G>C (p.Asp932His)

Gene: LEPR (leptin receptor; plus strand). Cytogenetic location: 1p31.3.
Variant type: single nucleotide variant.
Coding change: c.2794G>C on transcript NM_002303.6 (MANE Select); coding-DNA position 2794, G replaced by C.
Protein change: p.Asp932His; replaces aspartic acid 932 with histidine.
Molecular consequence: missense variant.
Genome position (GRCh38, 1-based): chr1:65,636,311, G>C. VCF-style: chr1-65636311-G-C. GRCh37 (hg19) VCF-style: chr1-66101994-G-C.
Other names: short protein forms D932H.
Identifiers: ClinVar variation 3350835 (VCV003350835.2).